The following is an entry in ClinVar:

ClinVar aggregate classification (germline): Uncertain significance. Review status: criteria provided, multiple submitters, no conflicts (2 of 4 stars). 2 submissions from 2 submitters: Uncertain significance (2). Last evaluated 2025-06-04.

Allele frequency attached by ClinVar (database versions not stated): TOPMed below 0.00001; gnomAD 0.00002.
gnomAD v4.1: 37 of 1,613,728 alleles (0.0023%); highest among the groups gnomAD compares: Admixed American, 0.017%; no homozygotes.

Submissions (2):

Labcorp Genetics (formerly Invitae), Labcorp
Classification: Uncertain significance. Last evaluated: 2025-06-04. Review status: criteria provided, single submitter. Criteria: Invitae Variant Classification Sherloc (09022015). Collection method: clinical testing. Allele origin: germline.
Comment: This sequence change replaces arginine, which is basic and polar, with histidine, which is basic and polar, at codon 308 of the EXOC3L2 protein (p.Arg308His). This variant is present in population databases (rs777339452, gnomAD 0.01%). This variant has not been reported in the literature in individuals affected with EXOC3L2-related conditions. ClinVar contains an entry for this variant (Variation ID: 2267176). An algorithm developed to predict the effect of missense changes on protein structure and function (PolyPhen-2) suggests that this variant is likely to be disruptive. In summary, the available evidence is currently insufficient to determine the role of this variant in disease. Therefore, it has been classified as a Variant of Uncertain Significance.

Ambry Genetics
Classification: Uncertain significance. Last evaluated: 2024-12-03. Review status: criteria provided, single submitter. Criteria: Ambry Variant Classification Scheme 2023. Collection method: clinical testing. Allele origin: germline.

NM_001382422.1(EXOC3L2):c.2102G>A (p.Arg701His)

Genes: BLOC1S3 (biogenesis of lysosomal organelles complex 1 subunit 3; plus strand), EXOC3L2 (exocyst complex component 3 like 2; minus strand). Cytogenetic location: 19q13.32.
Variant type: single nucleotide variant.
Coding change: c.2102G>A on transcript NM_001382422.1 (MANE Select); coding-DNA position 2102, G replaced by A.
Protein change: p.Arg701His; replaces arginine 701 with histidine.
Molecular consequence: missense variant.
Genome position (GRCh38, 1-based): chr19:45,216,091, C>T on the plus strand (G>A on the coding strand, the complement: EXOC3L2 is on the minus strand). VCF-style: chr19-45216091-C-T. GRCh37 (hg19) VCF-style: chr19-45719349-C-T.
Other names: NM_138568.3:c.923G>A; short protein forms R701H.
Identifiers: ClinVar variation 2267176 (VCV002267176.4), dbSNP rs777339452, ClinGen allele CA9510429.
Genomic context (GRCh38, chr19:45,216,091, plus strand): 5'-CGGCCAGGCACGGCGAGCCCTGGCCCAGGCGGGGTGTCTCACCTGATGTCTGGGTAGTCG[C>T]GCACCAACACTCCCACCTCCACCTGGATGCTGGGCGTGTCTTCCAGCTGCATGACTTCAG-3'
Protein context (NP_001369351.1, residues 691-711): SIQVEVGVLV[Arg701His]DYPDIRQKHV